The following is an entry in ClinVar:

ClinVar aggregate classification (germline): Uncertain significance (1 of 4 stars; one submission).

gnomAD v4.1: 1 of 1,613,510 alleles (0.000062%); highest among the groups gnomAD compares: Non-Finnish European, 0.000085%; no homozygotes.

Submission:

Labcorp Genetics (formerly Invitae), Labcorp
Classification: Uncertain significance. Last evaluated: 2021-11-13. Review status: criteria provided, single submitter. Criteria: Invitae Variant Classification Sherloc (09022015). Collection method: clinical testing. Allele origin: germline.
Comment: In summary, the available evidence is currently insufficient to determine the role of this variant in disease. Therefore, it has been classified as a Variant of Uncertain Significance. Algorithms developed to predict the effect of missense changes on protein structure and function output the following: SIFT: "Tolerated"; PolyPhen-2: "Benign"; Align-GVGD: "Class C0". The glycine amino acid residue is found in multiple mammalian species, which suggests that this missense change does not adversely affect protein function. This variant has not been reported in the literature in individuals affected with ATF6-related conditions. This variant is not present in population databases (gnomAD no frequency). This sequence change replaces aspartic acid, which is acidic and polar, with glycine, which is neutral and non-polar, at codon 554 of the ATF6 protein (p.Asp554Gly).

NM_007348.4(ATF6):c.1661A>G (p.Asp554Gly)

Gene: ATF6 (activating transcription factor 6; plus strand). Cytogenetic location: 1q23.3.
Variant type: single nucleotide variant.
Coding change: c.1661A>G on transcript NM_007348.4 (MANE Select); coding-DNA position 1661, A replaced by G.
Protein change: p.Asp554Gly; replaces aspartic acid 554 with glycine.
Molecular consequence: missense variant.
Genome position (GRCh38, 1-based): chr1:161,863,254, A>G. VCF-style: chr1-161863254-A-G. GRCh37 (hg19) VCF-style: chr1-161833044-A-G.
Other names: short protein forms D554G.
Identifiers: ClinVar variation 1351192 (VCV001351192.6), dbSNP rs2101839117, ClinGen allele CA343383614.
Genomic context (GRCh38, chr1:161,863,254, plus strand): 5'-TTAGCAGGAACTCAGGGAGTGAGCTACAAGTGTATTATGCTTCACCCAGAAGTTATCAAG[A>G]CTTTTTTGAAGCCATCCGCAGAAGGGGAGACACATTTTATGTTGTGTCATTTCGAAGGGT-3'
Protein context (NP_031374.2, residues 544-564): VYYASPRSYQ[Asp554Gly]FFEAIRRRGD